The following is an entry in ClinVar:

NM_001330078.2(NRXN1):c.2216C>T (p.Ala739Val)

Gene: NRXN1 (neurexin 1; minus strand). Cytogenetic location: 2p16.3.
Variant type: single nucleotide variant.
Coding change: c.2216C>T on transcript NM_001330078.2 (MANE Select); coding-DNA position 2216, C replaced by T.
Protein change: p.Ala739Val; replaces alanine 739 with valine.
Molecular consequence: missense variant.
Genome position (GRCh38, 1-based): chr2:50,531,358, G>A on the plus strand (C>T on the coding strand, the complement: NRXN1 is on the minus strand). VCF-style: chr2-50531358-G-A. GRCh37 (hg19) VCF-style: chr2-50758496-G-A.
Other names: c.2336C>T, p.Ala779Val (NM_001135659.3); c.2192C>T, p.Ala731Val (NM_001330077.2, NM_001330082.2, NM_001330095.2); c.2177C>T, p.Ala726Val (NM_001330083.2, NM_001330084.2); c.2216C>T, p.Ala739Val (NM_001330085.2, NM_001330086.2, NM_004801.6); c.2132C>T, p.Ala711Val (NM_001330087.2, NM_001330096.2); c.2162C>T, p.Ala721Val (NM_001330088.2); c.2213C>T, p.Ala738Val (NM_001330093.2); c.2204C>T, p.Ala735Val (NM_001330094.2); short protein forms A711V, A721V, A726V, A731V, A735V, A738V, A739V, A779V.
Identifiers: ClinVar variation 2650906 (VCV002650906.24), dbSNP rs2465581798, ClinGen allele CA346769663.
Genomic context (GRCh38, chr2:50,531,358, plus strand): 5'-GTGGTTGCCATCAGAATGCCATATGCACGCTGGGATCGGAACCGTAAGGAAACATCCTCA[G>A]CCTCCGTATGCATGACTACGGGGAGCTGAATTTTCATAAACATGCTCCCATCATAGCTCA-3'
Protein context (NP_001317007.1, residues 729-749): IQLPVVMHTE[Ala739Val]EDVSLRFRSQ

ClinVar aggregate classification (germline): Uncertain significance (1 of 4 stars; one submission).

Allele frequency attached by ClinVar (database versions not stated): gnomAD exomes below 0.00001.
gnomAD v4.1: 1 of 1,613,180 alleles (0.000062%); highest among the groups gnomAD compares: Non-Finnish European, 0.000085%; no homozygotes.

Submission:

CeGaT Center for Human Genetics Tuebingen
Classification: Uncertain significance. Last evaluated: 2023-02-01. Review status: criteria provided, single submitter. Criteria: CeGaT Center For Human Genetics Tuebingen Variant Classification Criteria Version 2. Collection method: clinical testing. Allele origin: germline. Affected: yes. Observed: 1 variant allele.
Comment: NRXN1: PM2, PP3